The following is an entry in ClinVar:

ClinVar aggregate classification (germline): Likely benign. Review status: criteria provided, single submitter (1 of 4 stars). 2 submissions from 2 submitters: Likely benign (1). 1 of the submissions does not count toward it. Last evaluated 2023-09-03.

Conditions:
NTRK2-related disorder. Also called: NTRK2-related condition.

Allele frequency attached by ClinVar (database versions not stated): gnomAD 0.00001; TOPMed below 0.00001.
gnomAD v4.1: 1 of 1,606,592 alleles (0.000062%); highest among the groups gnomAD compares: African/African-American, 0.0013%; no homozygotes.

Submissions (2):

Labcorp Genetics (formerly Invitae), Labcorp
Classification: Likely benign. Last evaluated: 2023-09-03. Review status: criteria provided, single submitter. Criteria: Invitae Variant Classification Sherloc (09022015). Collection method: clinical testing. Allele origin: germline.

PreventionGenetics, part of Exact Sciences
Classification: Likely benign for NTRK2-related condition. Last evaluated: 2024-04-06. Review status: no assertion criteria provided. Collection method: clinical testing. Allele origin: germline. Not counted in ClinVar's aggregate classification.
Comment: This variant is classified as likely benign based on ACMG/AMP sequence variant interpretation guidelines (Richards et al. 2015 PMID: 25741868, with internal and published modifications).

NM_006180.6(NTRK2):c.186T>C (p.Ser62=)

Gene: NTRK2 (neurotrophic receptor tyrosine kinase 2; plus strand). Cytogenetic location: 9q21.33.
Variant type: single nucleotide variant.
Coding change: c.186T>C on transcript NM_006180.6 (MANE Select); coding-DNA position 186, T replaced by C.
Protein change: p.Ser62=; no amino-acid change (serine 62 retained).
Molecular consequence: synonymous variant.
Genome position (GRCh38, 1-based): chr9:84,670,934, T>C. VCF-style: chr9-84670934-T-C. GRCh37 (hg19) VCF-style: chr9-87285849-T-C.
Other names: c.186T>C, p.Ser62= (NM_001007097.3, NM_001018064.3, NM_001018065.2 and 18 more transcripts).
Identifiers: ClinVar variation 732652 (VCV000732652.7), dbSNP rs948040979, ClinGen allele CA195738467.